The following is an entry in ClinVar:

NM_014956.5(CEP164):c.1741G>C (p.Val581Leu)

Gene: CEP164 (centrosomal protein 164; plus strand). Cytogenetic location: 11q23.3.
Variant type: single nucleotide variant.
Coding change: c.1741G>C on transcript NM_014956.5 (MANE Select); coding-DNA position 1741, G replaced by C.
Protein change: p.Val581Leu; replaces valine 581 with leucine.
Molecular consequence: missense variant. On other transcripts: intron variant (6).
Genome position (GRCh38, 1-based): chr11:117,387,219, G>C. VCF-style: chr11-117387219-G-C. GRCh37 (hg19) VCF-style: chr11-117257935-G-C.
Other names: c.1750G>C, p.Val584Leu (NM_001271933.2, NM_001440949.1); c.1741G>C, p.Val581Leu (NM_001440950.1, NM_001440951.1, NM_001440953.1); c.1576G>C, p.Val526Leu (NM_001440952.1, NM_001440968.1, NM_001440969.1); c.1663G>C, p.Val555Leu (NM_001440954.1, NM_001440955.1, NM_001440958.1 and 1 more transcripts); c.1654G>C, p.Val552Leu (NM_001440956.1, NM_001440957.1); c.1612G>C, p.Val538Leu (NM_001440960.1); c.1603G>C, p.Val535Leu (NM_001440961.1, NM_001440967.1); c.1594G>C, p.Val532Leu (NM_001440962.1, NM_001440963.1, NM_001440964.1 and 4 more transcripts); and 7 more; short protein forms V528L, V581L, V584L, V506L, V535L, V532L, V538L, V552L.
Identifiers: ClinVar variation 4994888 (VCV004994888.1).

ClinVar aggregate classification (germline): Uncertain significance (1 of 4 stars; one submission).

Conditions:
CEP164-related disorder. Also called: CEP164-related condition.

Submission:

PreventionGenetics, part of Exact Sciences
Classification: Uncertain significance for CEP164-related condition. Last evaluated: 2026-01-16. Review status: criteria provided, single submitter. Criteria: ACMG Guidelines, 2015. Collection method: clinical testing. Allele origin: germline.
Comment: The CEP164 c.1741G>C variant is predicted to result in the amino acid substitution p.Val581Leu. To our knowledge, this variant has not been reported in the literature or in a large population database (gnomAD), indicating this variant is rare. At this time, the clinical significance of this variant is uncertain due to the absence of conclusive functional and genetic evidence.